The following is an entry in ClinVar:

NM_139057.4(ADAMTS17):c.480G>C (p.Gln160His)

Gene: ADAMTS17 (ADAM metallopeptidase with thrombospondin type 1 motif 17; minus strand). Cytogenetic location: 15q26.3.
Variant type: single nucleotide variant.
Coding change: c.480G>C on transcript NM_139057.4 (MANE Select); coding-DNA position 480, G replaced by C.
Protein change: p.Gln160His; replaces glutamine 160 with histidine.
Molecular consequence: missense variant.
Genome position (GRCh38, 1-based): chr15:100,331,025, C>G on the plus strand (G>C on the coding strand, the complement: ADAMTS17 is on the minus strand). VCF-style: chr15-100331025-C-G. GRCh37 (hg19) VCF-style: chr15-100871230-C-G.
Other names: short protein forms Q160H.
Identifiers: ClinVar variation 1379391 (VCV001379391.7), dbSNP rs528163254, ClinGen allele CA7758718.

ClinVar aggregate classification (germline): Uncertain significance (1 of 4 stars; one submission).

Allele frequency attached by ClinVar (database versions not stated): gnomAD 0.00001 and 0.00002; gnomAD exomes 0.00002; TOPMed 0.00002; ExAC 0.00003.
gnomAD v4.1: 10 of 1,614,152 alleles (0.00062%); highest among the groups gnomAD compares: Middle Eastern, 0.016%; no homozygotes.

Submission:

Labcorp Genetics (formerly Invitae), Labcorp
Classification: Uncertain significance. Last evaluated: 2024-11-05. Review status: criteria provided, single submitter. Criteria: Invitae Variant Classification Sherloc (09022015). Collection method: clinical testing. Allele origin: germline.
Comment: This sequence change replaces glutamine with histidine at codon 160 of the ADAMTS17 protein (p.Gln160His). The glutamine residue is weakly conserved and there is a small physicochemical difference between glutamine and histidine. This variant is present in population databases (rs528163254, gnomAD 0.004%). This variant has not been reported in the literature in individuals affected with ADAMTS17-related conditions. ClinVar contains an entry for this variant (Variation ID: 1379391). An algorithm developed to predict the effect of missense changes on protein structure and function (PolyPhen-2) suggests that this variant is likely to be tolerated. In summary, the available evidence is currently insufficient to determine the role of this variant in disease. Therefore, it has been classified as a Variant of Uncertain Significance.